The following is an entry in ClinVar:

ClinVar aggregate classification (germline): Benign/Likely benign. Review status: criteria provided, multiple submitters, no conflicts (2 of 4 stars). 3 submissions from 3 submitters: Benign (1); Likely benign (1). 1 of the submissions does not count toward it. Last evaluated 2024-10-12.

Allele frequency attached by ClinVar (database versions not stated): gnomAD exomes below 0.00001 and 0.00001; TOPMed below 0.00001; ExAC 0.00001.
gnomAD v4.1: 6 of 1,612,490 alleles (0.00037%); highest among the groups gnomAD compares: Admixed American, 0.0067%; no homozygotes.

Submissions (3):

Labcorp Genetics (formerly Invitae), Labcorp
Classification: Benign. Last evaluated: 2024-10-12. Review status: criteria provided, single submitter. Criteria: Invitae Variant Classification Sherloc (09022015). Collection method: clinical testing. Allele origin: germline.

Blueprint Genetics
Classification: Likely benign. Last evaluated: 2024-04-19. Review status: criteria provided, single submitter. Criteria: ACMG Guidelines, 2015. Collection method: clinical testing. Allele origin: germline.

Department of Pathology and Laboratory Medicine, Sinai Health System
Classification: Likely benign. Review status: no assertion criteria provided. Collection method: clinical testing. Allele origin: unknown. Affected: yes. Study: The Canadian Open Genetics Repository (COGR). Not counted in ClinVar's aggregate classification.
Comment: The MTOR p.Ile1825Val variant was not identified in the literature nor was it identified in the ClinVar, Cosmic, or LOVD 3.0 databases. The variant was identified in dbSNP (ID: rs748927495). The variant was identified in control databases in 3 of 244022 chromosomes at a frequency of 0.000012 (Genome Aggregation Database Feb 27, 2017). The variant was observed in the Latino population in 3 of 34014 chromosomes (freq: 0.000088), while the variant was not observed in the African, Ashkenazi Jewish, East Asian, European (Finnish), European (non-Finnish), South Asian or Other populations. The p.Ile1825 residue is conserved in in mammals but not in more distantly related organisms. Computational analyses (PolyPhen-2, SIFT, AlignGVGD, BLOSUM, MutationTaster) do not suggest a high likelihood of impact to the protein; this information is not predictive enough to rule out pathogenicity. The variant occurs outside of the splicing consensus sequence and in silico or computational prediction software programs (SpliceSiteFinder, MaxEntScan, NNSPLICE, GeneSplicer) do not predict a difference in splicing. In summary, based on the above information the clinical significance of this variant cannot be determined with certainty at this time although we would lean towards a more benign role for this variant. This variant is classified as likely benign.

NM_004958.4(MTOR):c.5473A>G (p.Ile1825Val)

Gene: MTOR (mechanistic target of rapamycin kinase; minus strand). Cytogenetic location: 1p36.22.
Variant type: single nucleotide variant.
Coding change: c.5473A>G on transcript NM_004958.4 (MANE Select); coding-DNA position 5473, A replaced by G.
Protein change: p.Ile1825Val; replaces isoleucine 1825 with valine.
Molecular consequence: missense variant.
Genome position (GRCh38, 1-based): chr1:11,130,669, T>C on the plus strand (A>G on the coding strand, the complement: MTOR is on the minus strand). VCF-style: chr1-11130669-T-C. GRCh37 (hg19) VCF-style: chr1-11190726-T-C.
Other names: short protein forms I1825V.
Identifiers: ClinVar variation 833870 (VCV000833870.11), dbSNP rs748927495, ClinGen allele CA589340.